The following is an entry in ClinVar:

ClinVar aggregate classification (germline): Uncertain significance. Review status: criteria provided, multiple submitters, no conflicts (2 of 4 stars). 3 submissions from 3 submitters: Uncertain significance (3). Last evaluated 2025-12-05.

Conditions:
Hereditary cancer-predisposing syndrome. Also called: Tumor predisposition; Neoplastic Syndromes, Hereditary; Hereditary Cancer Syndrome; Hereditary neoplastic syndrome. Identifiers: Orphanet 140162, MedGen C0027672, MeSH D009386, MONDO:0015356.
Neuroblastoma, susceptibility to, 3. Also called: ALK-Related Neuroblastic Tumor Susceptibility. Identifiers: Orphanet 635, MedGen C2751681, MONDO:0013083, OMIM 613014.

gnomAD v4.1: 8 of 1,580,230 alleles (0.00051%); highest among the groups gnomAD compares: Non-Finnish European, 0.0006%; no homozygotes.

Submissions (3):

Labcorp Genetics (formerly Invitae), Labcorp
Classification: Uncertain significance for Neuroblastoma, susceptibility to, 3. Last evaluated: 2025-12-05. Review status: criteria provided, single submitter. Criteria: Invitae Variant Classification Sherloc (09022015). Collection method: clinical testing. Allele origin: germline.
Comment: This sequence change replaces glutamic acid, which is acidic and polar, with lysine, which is basic and polar, at codon 86 of the ALK protein (p.Glu86Lys). This variant is not present in population databases (gnomAD no frequency). This variant has not been reported in the literature in individuals affected with ALK-related conditions. ClinVar contains an entry for this variant (Variation ID: 1056563). An algorithm developed to predict the effect of missense changes on protein structure and function (PolyPhen-2) suggests that this variant is likely to be tolerated. In summary, the available evidence is currently insufficient to determine the role of this variant in disease. Therefore, it has been classified as a Variant of Uncertain Significance.

Ambry Genetics
Classification: Uncertain significance for Hereditary cancer-predisposing syndrome. Last evaluated: 2024-08-28. Review status: criteria provided, single submitter. Criteria: Ambry Variant Classification Scheme 2023. Collection method: clinical testing. Allele origin: germline.
Comment: The p.E86K variant (also known as c.256G>A), located in coding exon 1 of the ALK gene, results from a G to A substitution at nucleotide position 256. The glutamic acid at codon 86 is replaced by lysine, an amino acid with similar properties. This amino acid position is conserved. In addition, this alteration is predicted to be tolerated by in silico analysis. Since supporting evidence is limited at this time, the clinical significance of this alteration remains unclear.

Baylor Genetics
Classification: Uncertain significance for Neuroblastoma, susceptibility to, 3. Last evaluated: 2023-09-09. Review status: criteria provided, single submitter. Criteria: ACMG Guidelines, 2015. Collection method: clinical testing. Allele origin: unknown.

NM_004304.5(ALK):c.256G>A (p.Glu86Lys)

Gene: ALK (ALK receptor tyrosine kinase; minus strand). Cytogenetic location: 2p23.1.
Variant type: single nucleotide variant.
Coding change: c.256G>A on transcript NM_004304.5 (MANE Select); coding-DNA position 256, G replaced by A.
Protein change: p.Glu86Lys; replaces glutamic acid 86 with lysine.
Molecular consequence: missense variant.
Genome position (GRCh38, 1-based): chr2:29,920,404, C>T on the plus strand (G>A on the coding strand, the complement: ALK is on the minus strand). VCF-style: chr2-29920404-C-T. GRCh37 (hg19) VCF-style: chr2-30143270-C-T.
Other names: short protein forms E86K.
Identifiers: ClinVar variation 1056563 (VCV001056563.11), dbSNP rs1448609696, ClinGen allele CA346590389.